The following is an entry in ClinVar:

NM_001276345.2(TNNT2):c.719G>A (p.Arg240Lys)

Gene: TNNT2 (troponin T2, cardiac type; minus strand). Cytogenetic location: 1q32.1.
Variant type: single nucleotide variant.
Coding change: c.719G>A on transcript NM_001276345.2 (MANE Select); coding-DNA position 719, G replaced by A.
Protein change: p.Arg240Lys; replaces arginine 240 with lysine.
Molecular consequence: missense variant.
Genome position (GRCh38, 1-based): chr1:201,361,913, C>T on the plus strand (G>A on the coding strand, the complement: TNNT2 is on the minus strand). VCF-style: chr1-201361913-C-T. GRCh37 (hg19) VCF-style: chr1-201331041-C-T.
Other names: c.710G>A, p.Arg237Lys (NM_000364.4); c.689G>A, p.Arg230Lys (NM_001001430.3, NM_001276347.2); c.680G>A, p.Arg227Lys (NM_001001431.3); c.671G>A, p.Arg224Lys (NM_001001432.3); c.590G>A, p.Arg197Lys (NM_001276346.2); short protein forms R197K, R224K, R227K, R230K, R237K, R240K.
Identifiers: ClinVar variation 1172229 (VCV001172229.7), dbSNP rs2102233852, ClinGen allele CA090492.

ClinVar aggregate classification (germline): Uncertain significance. Review status: criteria provided, multiple submitters, no conflicts (2 of 4 stars). 6 submissions from 4 submitters: Uncertain significance (6). Last evaluated 2024-11-24.

Conditions:
Cardiovascular phenotype. Identifiers: MedGen CN230736.
Cardiomyopathy (CMYO). Also called: Cardiomyopathies. Identifiers: Orphanet 167848, MedGen C0878544, MONDO:0004994, HP:0001638. Inheritance: Various modes of inheritance.
Cardiomyopathy, familial restrictive, 3. Identifiers: Orphanet 75249, MedGen C2676271, MONDO:0012900, OMIM 612422.
Hypertrophic cardiomyopathy 2. Also called: TNNT2-Related Familial Hypertrophic Cardiomyopathy. Identifiers: MedGen C1861864, MONDO:0007266, OMIM 115195.
Dilated cardiomyopathy 1D. Identifiers: Orphanet 154, Orphanet 54260, MedGen C1832243, MONDO:0011095, OMIM 601494.

Submissions (6):

Labcorp Genetics (formerly Invitae), Labcorp
Classification: Uncertain significance for Cardiomyopathy, familial restrictive, 3; Hypertrophic cardiomyopathy 2; Dilated cardiomyopathy 1D. Last evaluated: 2024-11-24. Review status: criteria provided, single submitter. Criteria: Invitae Variant Classification Sherloc (09022015). Collection method: clinical testing. Allele origin: germline.
Comment: This sequence change replaces arginine, which is basic and polar, with lysine, which is basic and polar, at codon 230 of the TNNT2 protein (p.Arg230Lys). This variant also falls at the last nucleotide of exon 13, which is part of the consensus splice site for this exon. This variant is not present in population databases (gnomAD no frequency). This variant has not been reported in the literature in individuals affected with TNNT2-related conditions. ClinVar contains an entry for this variant (Variation ID: 1172229). An algorithm developed to predict the effect of missense changes on protein structure and function (PolyPhen-2) suggests that this variant is likely to be tolerated. Variants that disrupt the consensus splice site are a relatively common cause of aberrant splicing (PMID: 17576681, 9536098). Algorithms developed to predict the effect of sequence changes on RNA splicing suggest that this variant may disrupt the consensus splice site. In summary, the available evidence is currently insufficient to determine the role of this variant in disease. Therefore, it has been classified as a Variant of Uncertain Significance.

Genome-Nilou Lab
Classification: Uncertain significance for Dilated cardiomyopathy 1D. Last evaluated: 2023-04-11. Review status: criteria provided, single submitter. Criteria: ACMG Guidelines, 2015. Collection method: clinical testing. Allele origin: germline. Affected: no.

Genome-Nilou Lab
Classification: Uncertain significance for Cardiomyopathy, familial restrictive, 3. Last evaluated: 2023-04-11. Review status: criteria provided, single submitter. Criteria: ACMG Guidelines, 2015. Collection method: clinical testing. Allele origin: germline. Affected: no.

Genome-Nilou Lab
Classification: Uncertain significance for Hypertrophic cardiomyopathy 2. Last evaluated: 2023-04-11. Review status: criteria provided, single submitter. Criteria: ACMG Guidelines, 2015. Collection method: clinical testing. Allele origin: germline. Affected: no.

Color Diagnostics, LLC DBA Color Health
Classification: Uncertain significance for Cardiomyopathy. Last evaluated: 2021-02-17. Review status: criteria provided, single submitter. Criteria: ACMG Guidelines, 2015. Collection method: clinical testing. Allele origin: germline.
Comment: This missense variant replaces arginine with lysine at codon 230 of the TNNT2 protein. Computational prediction suggests that this variant may not impact protein structure and function (internally defined REVEL score threshold <= 0.5, PMID: 27666373). Splice site prediction tools suggest that this variant may impact RNA splicing. To our knowledge, functional studies have not been reported for this variant. This variant has not been reported in individuals affected with cardiovascular disorders in the literature. This variant has not been identified in the general population by the Genome Aggregation Database (gnomAD). The available evidence is insufficient to determine the role of this variant in disease conclusively. Therefore, this variant is classified as a Variant of Uncertain Significance.

Ambry Genetics
Classification: Uncertain significance for Cardiovascular phenotype. Last evaluated: 2019-10-16. Review status: criteria provided, single submitter. Criteria: Ambry Variant Classification Scheme 2023. Collection method: clinical testing. Allele origin: germline.
Comment: The p.R230K variant (also known as c.689G>A), located in coding exon 12 of the TNNT2 gene, results from a G to A substitution at nucleotide position 689. The amino acid change results in arginine to lysine at codon 230, an amino acid with highly similar properties. However, this change occurs in the last base pair of coding exon 12, which makes it likely to have some effect on normal mRNA splicing. This amino acid position is well conserved in available vertebrate species. Using two different splice site prediction tools, this alteration is predicted by BDGP to abolish the native splice donor site, but is predicted to weaken (but not abolish) the efficiency of the native splice donor site by ESEfinder; however, direct evidence is unavailable. In addition, the in silico prediction for this alteration is inconclusive. Since supporting evidence is limited at this time, the clinical significance of this alteration remains unclear.

Literature cited by the submitters: PubMed 17576681 (cited by Labcorp Genetics (formerly Invitae), Labcorp); PubMed 9536098 (cited by Labcorp Genetics (formerly Invitae), Labcorp).